The following is an entry in ClinVar:

ClinVar aggregate classification (germline): Benign/Likely benign. Review status: criteria provided, multiple submitters, no conflicts (2 of 4 stars). 3 submissions from 3 submitters: Benign (1); Likely benign (2). Last evaluated 2025-03-28.

Conditions:
Peutz-Jeghers syndrome (PJS). Also called: Peutz-Jeghers polyposis; Periorificial lentiginosis syndrome; POLYPOSIS, HAMARTOMATOUS INTESTINAL; POLYPS-AND-SPOTS SYNDROME. Identifiers: Orphanet 2869, MedGen C0031269, MeSH D010580, MONDO:0008280, OMIM 175200.
Hereditary cancer-predisposing syndrome. Also called: Hereditary neoplastic syndrome; Hereditary Cancer Syndrome; Neoplastic Syndromes, Hereditary; Tumor predisposition. Identifiers: Orphanet 140162, MedGen C0027672, MeSH D009386, MONDO:0015356.

Allele frequency attached by ClinVar (database versions not stated): 1000 Genomes Project 0.00020; 1000 Genomes Project 30x 0.00031.

Submissions (3):

Myriad Genetics, Inc.
Classification: Benign for Peutz-Jeghers syndrome. Last evaluated: 2025-03-28. Review status: criteria provided, single submitter. Criteria: Myriad Autosomal Dominant, Autosomal Recessive and X-Linked Classification Criteria (2023). Collection method: clinical testing. Allele origin: unknown.
Comment: This variant is considered benign. This variant is a silent/synonymous amino acid change and it is not expected to impact splicing.

Ambry Genetics
Classification: Likely benign for Hereditary cancer-predisposing syndrome. Last evaluated: 2022-05-30. Review status: criteria provided, single submitter. Criteria: Ambry Variant Classification Scheme 2023. Collection method: clinical testing. Allele origin: germline.

Labcorp Genetics (formerly Invitae), Labcorp
Classification: Likely benign for Peutz-Jeghers syndrome. Last evaluated: 2022-03-08. Review status: criteria provided, single submitter. Criteria: Invitae Variant Classification Sherloc (09022015). Collection method: clinical testing. Allele origin: germline.

NM_000455.5(STK11):c.1068C>A (p.Ile356=)

Genes: STK11 (serine/threonine kinase 11; plus strand), LOC130062899 (ATAC-STARR-seq lymphoblastoid active region 13597; plus strand). Cytogenetic location: 19p13.3.
Variant type: single nucleotide variant.
Coding change: c.1068C>A on transcript NM_000455.5 (MANE Select); coding-DNA position 1068, C replaced by A.
Protein change: p.Ile356=; no amino-acid change (isoleucine 356 retained).
Molecular consequence: synonymous variant.
Genome position (GRCh38, 1-based): chr19:1,223,132, C>A. VCF-style: chr19-1223132-C-A. GRCh37 (hg19) VCF-style: chr19-1223131-C-A.
Identifiers: ClinVar variation 1370212 (VCV001370212.9), dbSNP rs187744790, ClinGen allele CA045007.